The following is an entry in ClinVar:

ClinVar aggregate classification (germline): Uncertain significance (1 of 4 stars; one submission).

Submission:

GeneDx
Classification: Uncertain significance. Last evaluated: 2024-11-04. Review status: criteria provided, single submitter. Criteria: GeneDx Variant Classification Process June 2021. Collection method: clinical testing. Allele origin: germline. Affected: yes.
Comment: Not observed at significant frequency in large population cohorts (gnomAD); In silico analysis supports that this missense variant has a deleterious effect on protein structure/function; Has not been previously published as pathogenic or benign to our knowledge

NM_001164760.2(PRKAR1B):c.1012A>T (p.Thr338Ser)

Gene: PRKAR1B (protein kinase cAMP-dependent type I regulatory subunit beta; minus strand). Cytogenetic location: 7p22.3.
Variant type: single nucleotide variant.
Coding change: c.1012A>T on transcript NM_001164760.2 (MANE Select); coding-DNA position 1012, A replaced by T.
Protein change: p.Thr338Ser; replaces threonine 338 with serine.
Molecular consequence: missense variant.
Genome position (GRCh38, 1-based): chr7:550,564, T>A on the plus strand (A>T on the coding strand, the complement: PRKAR1B is on the minus strand). VCF-style: chr7-550564-T-A. GRCh37 (hg19) VCF-style: chr7-590201-T-A.
Other names: c.1012A>T, p.Thr338Ser (NM_001164758.2, NM_001164759.1, NM_001164761.2 and 2 more transcripts); short protein forms T338S.
Identifiers: ClinVar variation 3897104 (VCV003897104.1).
Genomic context (GRCh38, chr7:550,564, plus strand): 5'-CACGCTCGAAGCGGGGCCGGTCCAGCTTCACACACTTGAGGGGCCCCCGGGCCACGACAG[T>A]GGCCGCCCGGGGCCGGTTCAGCAGCAGTGCAATCTCCCCTGGGGGTTGAAGAGAGAGGTC-3'
Protein context (NP_001158232.1, residues 328-348): ALLLNRPRAA[Thr338Ser]VVARGPLKCV